The following is an entry in ClinVar:

NM_001079668.3(NKX2-1):c.313del (p.Val105fs)

Genes: NKX2-1 (NK2 homeobox 1; minus strand), SFTA3 (surfactant associated 3; minus strand). Cytogenetic location: 14q13.3.
Variant type: Deletion.
Coding change: c.313del on transcript NM_001079668.3 (MANE Select); coding-DNA position 313, one base deleted (G; older notation c.313delG).
Protein change: p.Val105fs; shifts the reading frame from valine 105.
Molecular consequence: frameshift variant.
Genome position (GRCh38, 1-based): chr14:36,519,135, C deleted on the plus strand (G on the coding strand, the reverse complement: NKX2-1 is on the minus strand); the first of 5 consecutive C bases (chr14:36,519,135-36,519,139); deleting any one gives the same sequence. VCF-style (leftmost placement, unchanged base first): chr14-36519134-AC-A. GRCh37 (hg19) VCF-style: chr14-36988339-AC-A.
Other names: c.223del, p.Val75fs (NM_003317.4); short protein forms V105fs, V75fs.
Identifiers: ClinVar variation 1357268 (VCV001357268.6), dbSNP rs2139411982, ClinGen allele CA2573149921.

ClinVar aggregate classification (germline): Pathogenic (1 of 4 stars; one submission).

Submission:

Labcorp Genetics (formerly Invitae), Labcorp
Classification: Pathogenic. Last evaluated: 2023-12-06. Review status: criteria provided, single submitter. Criteria: Invitae Variant Classification Sherloc (09022015). Collection method: clinical testing. Allele origin: germline.
Comment: This sequence change creates a premature translational stop signal (p.Val105Cysfs*20) in the NKX2-1 gene. It is expected to result in an absent or disrupted protein product. Loss-of-function variants in NKX2-1 are known to be pathogenic (PMID: 23430038, 24714694). This variant is not present in population databases (gnomAD no frequency). This variant has not been reported in the literature in individuals affected with NKX2-1-related conditions. ClinVar contains an entry for this variant (Variation ID: 1357268). For these reasons, this variant has been classified as Pathogenic.

Literature cited by the submitters: PubMed 23430038; PubMed 24714694.